The following is an entry in ClinVar:

ClinVar aggregate classification (germline): Uncertain significance (1 of 4 stars; one submission).

Submission:

Labcorp Genetics (formerly Invitae), Labcorp
Classification: Uncertain significance. Last evaluated: 2026-01-11. Review status: criteria provided, single submitter. Criteria: Invitae Variant Classification Sherloc (09022015). Collection method: clinical testing. Allele origin: germline.
Comment: This sequence change replaces asparagine, which is neutral and polar, with serine, which is neutral and polar, at codon 234 of the PMPCA protein (p.Asn234Ser). The frequency data for this variant in the population databases is considered unreliable, as metrics indicate poor data quality at this position in the gnomAD database. This variant has not been reported in the literature in individuals affected with PMPCA-related conditions. An algorithm developed to predict the effect of missense changes on protein structure and function (PolyPhen-2) suggests that this variant is likely to be tolerated. In summary, the available evidence is currently insufficient to determine the role of this variant in disease. Therefore, it has been classified as a Variant of Uncertain Significance.

NM_015160.3(PMPCA):c.701_702inv (p.Asn234Ser)

Genes: PMPCA (peptidase, mitochondrial processing subunit alpha; plus strand), LOC126860792 (CDK7 strongly-dependent group 2 enhancer GRCh37_chr9:139310410-139311609; plus strand). Cytogenetic location: 9q34.3.
Variant type: Inversion.
Coding change: c.701_702inv on transcript NM_015160.3 (MANE Select).
Protein change: p.Asn234Ser; replaces asparagine 234 with serine.
Molecular consequence: missense variant.
Genome position: GRCh38 VCF-style: chr9-136417018-AC-GT. GRCh37 (hg19) VCF-style: chr9-139311470-AC-GT.
Other names: c.308_309inv, p.Asn103Ser (NM_001282944.2); c.401_402inv, p.Asn134Ser (NM_001282946.2); short protein forms N134S, N103S, N234S.
Identifiers: ClinVar variation 4752845 (VCV004752845.1).